The following is an entry in ClinVar:

NM_172250.3(MMAA):c.65G>A (p.Arg22Gln)

Gene: MMAA (metabolism of cobalamin associated A; plus strand). Cytogenetic location: 4q31.21.
Variant type: single nucleotide variant.
Coding change: c.65G>A on transcript NM_172250.3 (MANE Select); coding-DNA position 65, G replaced by A.
Protein change: p.Arg22Gln; replaces arginine 22 with glutamine.
Molecular consequence: missense variant.
Genome position (GRCh38, 1-based): chr4:145,639,204, G>A. VCF-style: chr4-145639204-G-A. GRCh37 (hg19) VCF-style: chr4-146560356-G-A.
Other names: c.65G>A, p.Arg22Gln (NM_001375644.1); short protein forms R22Q.
Identifiers: ClinVar variation 1441093 (VCV001441093.3), dbSNP rs375682603, ClinGen allele CA3095114.

ClinVar aggregate classification (germline): Uncertain significance (1 of 4 stars; one submission).

Conditions:
Methylmalonic aciduria, cblA type (MACA). Also called: Methylmalonic aciduria, vitamin B12-responsive; Vitamin B12-responsive methylmalonic acidemia type cblA; Methylmalonic aciduria, vitamin b12-responsive, due to defect in synthesis of adenosylcobalamin, cbla complementation type; MMA cbl A type; Methylmalonic acidemia cblA type. Identifiers: Orphanet 28, Orphanet 79310, MedGen C1855109, MONDO:0009613, OMIM 251100.

Allele frequency attached by ClinVar (database versions not stated): gnomAD 0.00004; ESP Exome Variant Server 0.00008.
gnomAD v4.1: 42 of 1,613,948 alleles (0.0026%); highest among the groups gnomAD compares: Middle Eastern, 0.016%; no homozygotes.

Submission:

Labcorp Genetics (formerly Invitae), Labcorp
Classification: Uncertain significance for Methylmalonic aciduria, cblA type. Last evaluated: 2022-08-15. Review status: criteria provided, single submitter. Criteria: Invitae Variant Classification Sherloc (09022015). Collection method: clinical testing. Allele origin: germline.
Comment: This sequence change replaces arginine, which is basic and polar, with glutamine, which is neutral and polar, at codon 22 of the MMAA protein (p.Arg22Gln). This variant is present in population databases (rs375682603, gnomAD 0.004%). This variant has not been reported in the literature in individuals affected with MMAA-related conditions. ClinVar contains an entry for this variant (Variation ID: 1441093). Advanced modeling of protein sequence and biophysical properties (such as structural, functional, and spatial information, amino acid conservation, physicochemical variation, residue mobility, and thermodynamic stability) performed at Invitae indicates that this missense variant is not expected to disrupt MMAA protein function. In summary, the available evidence is currently insufficient to determine the role of this variant in disease. Therefore, it has been classified as a Variant of Uncertain Significance.